The following is an entry in ClinVar:

NM_014915.3(ANKRD26):c.585G>A (p.Val195=)

Gene: ANKRD26 (ankyrin repeat domain 26; minus strand). Cytogenetic location: 10p12.1.
Variant type: single nucleotide variant.
Coding change: c.585G>A on transcript NM_014915.3 (MANE Select); coding-DNA position 585, G replaced by A.
Protein change: p.Val195=; no amino-acid change (valine 195 retained).
Molecular consequence: synonymous variant.
Genome position (GRCh38, 1-based): chr10:27,092,459, C>T on the plus strand (G>A on the coding strand, the complement: ANKRD26 is on the minus strand). VCF-style: chr10-27092459-C-T. GRCh37 (hg19) VCF-style: chr10-27381388-C-T.
Other names: c.585G>A, p.Val195= (NM_001256053.2).
Identifiers: ClinVar variation 4751639 (VCV004751639.1).
Genomic context (GRCh38, chr10:27,092,459, plus strand): 5'-ACTGTACCTTTCCAACTTATCTACTGCATTTACATTTGCTTTTTTCTTTATTAAAAATTC[C>T]ACCATTTGCTGCTTTTTTCCACTTACTGCAAGTAAAAGTGGTGTGAGGTCATCCTGTAAG-3'
Protein context (NP_055730.2, residues 185-205): LAVSGKKQQM[Val195=]EFLIKKKANV

ClinVar aggregate classification (germline): Uncertain significance (1 of 4 stars; one submission).

gnomAD v4.1: 12 of 1,613,586 alleles (0.00074%); highest among the groups gnomAD compares: Middle Eastern, 0.016%; no homozygotes.

Submission:

Labcorp Genetics (formerly Invitae), Labcorp
Classification: Uncertain significance. Last evaluated: 2025-10-21. Review status: criteria provided, single submitter. Criteria: Invitae Variant Classification Sherloc (09022015). Collection method: clinical testing. Allele origin: germline.
Comment: This sequence change affects codon 195 of the ANKRD26 mRNA. It is a 'silent' change, meaning that it does not change the encoded amino acid sequence of the ANKRD26 protein. The frequency data for this variant in the population databases is considered unreliable, as metrics indicate poor data quality at this position in the gnomAD database. This variant has not been reported in the literature in individuals affected with ANKRD26-related conditions. Algorithms developed to predict the effect of sequence changes on RNA splicing suggest that this variant may create or strengthen a splice site. In summary, the available evidence is currently insufficient to determine the role of this variant in disease. Therefore, it has been classified as a Variant of Uncertain Significance.